The following is an entry in ClinVar:

ClinVar aggregate classification (germline): Uncertain significance. Review status: criteria provided, multiple submitters, no conflicts (2 of 4 stars). 2 submissions from 2 submitters: Uncertain significance (2). Last evaluated 2023-10-27.

Conditions:
Hereditary cancer-predisposing syndrome. Also called: Neoplastic Syndromes, Hereditary; Tumor predisposition; Hereditary Cancer Syndrome; Hereditary neoplastic syndrome. Identifiers: Orphanet 140162, MedGen C0027672, MeSH D009386, MONDO:0015356.
Cardiovascular phenotype. Identifiers: MedGen CN230736.
Neurofibromatosis, type 1 (NF1). Also called: VON RECKLINGHAUSEN DISEASE; NEUROFIBROMATOSIS, TYPE I, SOMATIC; Peripheral type neurofibromatosis; Neurofibromatosis, type I. Identifiers: Orphanet 636, MedGen C0027831, MONDO:0018975, OMIM 162200. Disease mechanism: loss of function.

Allele frequency attached by ClinVar (database versions not stated): gnomAD exomes below 0.00001.
gnomAD v4.1: 2 of 1,613,650 alleles (0.00012%); highest among the groups gnomAD compares: Middle Eastern, 0.017%; no homozygotes.

Submissions (2):

Ambry Genetics
Classification: Uncertain significance for Cardiovascular phenotype; Hereditary cancer-predisposing syndrome. Last evaluated: 2023-10-27. Review status: criteria provided, single submitter. Criteria: Ambry Variant Classification Scheme 2023. Collection method: clinical testing. Allele origin: germline.
Comment: The p.A887V variant (also known as c.2660C>T), located in coding exon 21 of the NF1 gene, results from a C to T substitution at nucleotide position 2660. The alanine at codon 887 is replaced by valine, an amino acid with similar properties. This amino acid position is conserved. In addition, this alteration is predicted to be tolerated by in silico analysis. Since supporting evidence is limited at this time, the clinical significance of this alteration remains unclear.

Labcorp Genetics (formerly Invitae), Labcorp
Classification: Uncertain significance for Neurofibromatosis, type 1. Last evaluated: 2023-07-07. Review status: criteria provided, single submitter. Criteria: Invitae Variant Classification Sherloc (09022015). Collection method: clinical testing. Allele origin: germline.
Comment: This sequence change replaces alanine, which is neutral and non-polar, with valine, which is neutral and non-polar, at codon 887 of the NF1 protein (p.Ala887Val). In summary, the available evidence is currently insufficient to determine the role of this variant in disease. Therefore, it has been classified as a Variant of Uncertain Significance. Algorithms developed to predict the effect of missense changes on protein structure and function output the following: SIFT: "Not Available"; PolyPhen-2: "Benign"; Align-GVGD: "Not Available". The valine amino acid residue is found in multiple mammalian species, which suggests that this missense change does not adversely affect protein function. ClinVar contains an entry for this variant (Variation ID: 567890). This variant has not been reported in the literature in individuals affected with NF1-related conditions. This variant is not present in population databases (gnomAD no frequency).

NM_001042492.3(NF1):c.2660C>T (p.Ala887Val)

Gene: NF1 (neurofibromin 1; plus strand). Cytogenetic location: 17q11.2.
Variant type: single nucleotide variant.
Coding change: c.2660C>T on transcript NM_001042492.3 (MANE Select); coding-DNA position 2660, C replaced by T.
Protein change: p.Ala887Val; replaces alanine 887 with valine.
Molecular consequence: missense variant.
Genome position (GRCh38, 1-based): chr17:31,229,275, C>T. VCF-style: chr17-31229275-C-T. GRCh37 (hg19) VCF-style: chr17-29556293-C-T.
Other names: c.2660C>T, p.Ala887Val (NM_000267.4); short protein forms A887V.
Identifiers: ClinVar variation 567890 (VCV000567890.6), dbSNP rs1567849029, ClinGen allele CA398984793.